The following is an entry in ClinVar:

ClinVar aggregate classification (germline): Uncertain significance (1 of 4 stars; one submission).

Conditions:
Inborn genetic diseases. Identifiers: MedGen C0950123, MeSH D030342.

Submission:

Ambry Genetics
Classification: Uncertain significance for Inborn genetic diseases. Last evaluated: 2024-05-22. Review status: criteria provided, single submitter. Criteria: Ambry Variant Classification Scheme 2023. Collection method: clinical testing. Allele origin: germline.
Comment: The c.154A>G (p.I52V) alteration is located in exon 3 (coding exon 3) of the NAA10 gene. This alteration results from a A to G substitution at nucleotide position 154, causing the isoleucine (I) at amino acid position 52 to be replaced by a valine (V). This variant was not reported in population-based cohorts in the Genome Aggregation Database (gnomAD). This amino acid position is highly conserved in available vertebrate species. This missense alteration is located in a region that has a low rate of benign missense variation (Lek, 2016; Firth, 2009). This alteration is predicted to be tolerated by in silico analysis; however, in silico splice site analysis predicts that this alteration may weaken the native splice donor site. Based on insufficient or conflicting evidence, the clinical significance of this alteration remains unclear.

NM_003491.4(NAA10):c.154A>G (p.Ile52Val)

Gene: NAA10 (N-alpha-acetyltransferase 10, NatA catalytic subunit; minus strand). Cytogenetic location: Xq28.
Variant type: single nucleotide variant.
Coding change: c.154A>G on transcript NM_003491.4 (MANE Select); coding-DNA position 154, A replaced by G.
Protein change: p.Ile52Val; replaces isoleucine 52 with valine.
Molecular consequence: missense variant.
Genome position (GRCh38, 1-based): chrX:153,933,968, T>C on the plus strand (A>G on the coding strand, the complement: NAA10 is on the minus strand). VCF-style: chrX-153933968-T-C. GRCh37 (hg19) VCF-style: chrX-153199421-T-C.
Other names: c.154A>G, p.Ile52Val (NM_001256119.2, NM_001256120.2); short protein forms I52V.
Identifiers: ClinVar variation 3298245 (VCV003298245.1).